The following is an entry in ClinVar:

NM_001291303.3(FAT4):c.11429A>G (p.His3810Arg)

Gene: FAT4 (FAT atypical cadherin 4; plus strand). Cytogenetic location: 4q28.1.
Variant type: single nucleotide variant.
Coding change: c.11429A>G on transcript NM_001291303.3 (MANE Select); coding-DNA position 11429, A replaced by G.
Protein change: p.His3810Arg; replaces histidine 3810 with arginine.
Molecular consequence: missense variant.
Genome position (GRCh38, 1-based): chr4:125,452,439, A>G. VCF-style: chr4-125452439-A-G. GRCh37 (hg19) VCF-style: chr4-126373594-A-G.
Other names: c.11429A>G, p.His3810Arg (NM_001291285.3); c.11423A>G, p.His3808Arg (NM_024582.6); short protein forms H3808R, H3810R.
Identifiers: ClinVar variation 382899 (VCV000382899.19), dbSNP rs114637892, ClinGen allele CA3073850.

ClinVar aggregate classification (germline): Benign. Review status: criteria provided, multiple submitters, no conflicts (2 of 4 stars). 4 submissions from 4 submitters: Benign (4). Last evaluated 2026-02-03.

Allele frequency attached by ClinVar (database versions not stated): gnomAD exomes 0.00095 and 0.00205; ExAC 0.00239; gnomAD 0.00679 and 0.00732; 1000 Genomes Project 30x 0.00781; TOPMed 0.00799; 1000 Genomes Project 0.00819; ESP Exome Variant Server 0.00823.
gnomAD v4.1: 2,477 of 1,614,056 alleles (0.15%); highest among the groups gnomAD compares: African/African-American, 2.3%; 20 homozygotes.

Submissions (4):

Labcorp Genetics (formerly Invitae), Labcorp
Classification: Benign. Last evaluated: 2026-02-03. Review status: criteria provided, single submitter. Criteria: Invitae Variant Classification Sherloc (09022015). Collection method: clinical testing. Allele origin: germline.

ARUP Laboratories, Molecular Genetics and Genomics, ARUP Laboratories
Classification: Benign. Last evaluated: 2020-12-29. Review status: criteria provided, single submitter. Criteria: ARUP Molecular Germline Variant Investigation Process 2021. Collection method: clinical testing. Allele origin: germline.

GeneDx
Classification: Benign. Last evaluated: 2016-11-17. Review status: criteria provided, single submitter. Criteria: GeneDx Variant Classification (06012015). Collection method: clinical testing. Allele origin: germline. Affected: yes.
Comment: This variant is considered likely benign or benign based on one or more of the following criteria: it is a conservative change, it occurs at a poorly conserved position in the protein, it is predicted to be benign by multiple in silico algorithms, and/or has population frequency not consistent with disease.

Breakthrough Genomics
Classification: Benign. Review status: criteria provided, single submitter. Criteria: ACMG Guidelines, 2015. Collection method: not provided. Allele origin: germline. Inheritance: Autosomal recessive inheritance. Affected: yes.